The following is an entry in ClinVar:

ClinVar aggregate classification (germline): Likely pathogenic (1 of 4 stars; one submission).

Conditions:
Anophthalmia/microphthalmia-esophageal atresia syndrome (MCOPS3). Also called: MICROPHTHALMIA AND ESOPHAGEAL ATRESIA SYNDROME; AEG SYNDROME; SOX2 Disorder. Identifiers: Orphanet 77298, MedGen C1859773, MONDO:0008799, OMIM 206900.

Submission:

Genetics Department, Catlab
Classification: Likely pathogenic for Anophthalmia/microphthalmia-esophageal atresia syndrome. Last evaluated: 2024-09-24. Review status: criteria provided, single submitter. Criteria: ACMG Guidelines, 2015. Collection method: clinical testing. Allele origin: germline. Affected: yes. Observed: 1 variant allele.
Comment: The c.544C>T nonsense variant in the SOX2 gene gene is a loss of function variant predicted to undergo nonsense mediated decay and loss of function variants have been described as a causing mechanism for the gene (PVS1). Moreover, the variant is absent from the gnomAD 4.1 database of common variants (PM2). With all the available evidence, the variant is classified as likely pathogenic.

NM_003106.4(SOX2):c.544C>T (p.Gln182Ter)

Genes: SOX2-OT (SOX2 overlapping transcript; plus strand), SOX2 (SRY-box transcription factor 2; plus strand), LOC108281177 (SOX2 5' regulatory region; plus strand). Cytogenetic location: 3q26.33.
Variant type: single nucleotide variant.
Coding change: c.544C>T on transcript NM_003106.4 (MANE Select); coding-DNA position 544, C replaced by T.
Protein change: p.Gln182Ter; replaces glutamine 182 with a stop codon.
Molecular consequence: nonsense.
Genome position (GRCh38, 1-based): chr3:181,712,904, C>T. VCF-style: chr3-181712904-C-T. GRCh37 (hg19) VCF-style: chr3-181430692-C-T.
Other names: short protein forms Q182*.
Identifiers: ClinVar variation 3383379 (VCV003383379.1).